The following is an entry in ClinVar:

ClinVar aggregate classification (germline): Uncertain significance (1 of 4 stars; one submission).

Conditions:
CEP164-related disorder. Also called: CEP164-related condition.

gnomAD v4.1: 35 of 1,612,986 alleles (0.0022%); highest among the groups gnomAD compares: Non-Finnish European, 0.003%; no homozygotes.

Submission:

PreventionGenetics, part of Exact Sciences
Classification: Uncertain significance for CEP164-related condition. Last evaluated: 2024-10-23. Review status: criteria provided, single submitter. Criteria: ACMG Guidelines, 2015. Collection method: clinical testing. Allele origin: germline.
Comment: The CEP164 c.2494C>T variant is predicted to result in the amino acid substitution p.Leu832Phe. This variant is located at the last base of an exon, and is predicted to alter splicing based on available splicing prediction programs (SpliceAI, Jaganathan et al. 2019. PubMed ID: 30661751). To our knowledge, this variant has not been reported in the literature. This variant is reported in 0.0026% of alleles in individuals of European (Non-Finnish) descent in gnomAD. At this time, the clinical significance of this variant is uncertain due to the absence of conclusive functional and genetic evidence.

NM_014956.5(CEP164):c.2494C>T (p.Leu832Phe)

Gene: CEP164 (centrosomal protein 164; plus strand). Cytogenetic location: 11q23.3.
Variant type: single nucleotide variant.
Coding change: c.2494C>T on transcript NM_014956.5 (MANE Select); coding-DNA position 2494, C replaced by T.
Protein change: p.Leu832Phe; replaces leucine 832 with phenylalanine.
Molecular consequence: missense variant.
Genome position (GRCh38, 1-based): chr11:117,393,004, C>T. VCF-style: chr11-117393004-C-T. GRCh37 (hg19) VCF-style: chr11-117263720-C-T.
Other names: c.2137C>T, p.Leu713Phe (NM_001440990.1, NM_001440984.1); c.2059C>T, p.Leu687Phe (NM_001440992.1); c.2503C>T, p.Leu835Phe (NM_001271933.2, NM_001440949.1); c.2494C>T, p.Leu832Phe (NM_001440950.1, NM_001440951.1, NM_001440953.1); c.2329C>T, p.Leu777Phe (NM_001440952.1, NM_001440968.1, NM_001440969.1); c.2416C>T, p.Leu806Phe (NM_001440954.1, NM_001440955.1, NM_001440958.1 and 1 more transcripts); c.2407C>T, p.Leu803Phe (NM_001440956.1, NM_001440957.1); c.2365C>T, p.Leu789Phe (NM_001440960.1); and 7 more; short protein forms L736F, L806F, L757F, L783F, L786F, L803F, L832F, L777F.
Identifiers: ClinVar variation 4986995 (VCV004986995.1).